The following is an entry in ClinVar:

ClinVar aggregate classification (germline): Uncertain significance. Review status: criteria provided, multiple submitters, no conflicts (2 of 4 stars). 2 submissions from 2 submitters: Uncertain significance (2). Last evaluated 2026-06-17.

Allele frequency attached by ClinVar (database versions not stated): TOPMed 0.00001; gnomAD exomes below 0.00001; ExAC 0.00001; gnomAD 0.00001.

Submissions (2):

Ambry Genetics
Classification: Uncertain significance. Last evaluated: 2026-06-17. Review status: criteria provided, single submitter. Criteria: Ambry Variant Classification Scheme 2023. Collection method: clinical testing. Allele origin: germline.

Labcorp Genetics (formerly Invitae), Labcorp
Classification: Uncertain significance. Last evaluated: 2022-08-10. Review status: criteria provided, single submitter. Criteria: Invitae Variant Classification Sherloc (09022015). Collection method: clinical testing. Allele origin: germline.
Comment: This sequence change replaces isoleucine, which is neutral and non-polar, with threonine, which is neutral and polar, at codon 65 of the TMEM126A protein (p.Ile65Thr). This variant is present in population databases (rs762436987, gnomAD 0.007%). This variant has not been reported in the literature in individuals affected with TMEM126A-related conditions. ClinVar contains an entry for this variant (Variation ID: 1407225). Algorithms developed to predict the effect of missense changes on protein structure and function (SIFT, PolyPhen-2, Align-GVGD) all suggest that this variant is likely to be disruptive. In summary, the available evidence is currently insufficient to determine the role of this variant in disease. Therefore, it has been classified as a Variant of Uncertain Significance.

NM_032273.4(TMEM126A):c.194T>C (p.Ile65Thr)

Gene: TMEM126A (transmembrane protein 126A; plus strand). Cytogenetic location: 11q14.1.
Variant type: single nucleotide variant.
Coding change: c.194T>C on transcript NM_032273.4 (MANE Select); coding-DNA position 194, T replaced by C.
Protein change: p.Ile65Thr; replaces isoleucine 65 with threonine.
Molecular consequence: missense variant. On other transcripts: 5 prime UTR variant (1).
Genome position (GRCh38, 1-based): chr11:85,654,170, T>C. VCF-style: chr11-85654170-T-C. GRCh37 (hg19) VCF-style: chr11-85365214-T-C.
Other names: c.-17T>C (NM_001244735.2); c.194T>C (NM_032273.3); short protein forms I65T.
Identifiers: ClinVar variation 1407225 (VCV001407225.6), dbSNP rs762436987, ClinGen allele CA6212717.
Genomic context (GRCh38, chr11:85,654,170, plus strand): 5'-TTTGTGGCCTCATAGCAAACAGTCTTTTTCGACGCATCTTGAATGTGACAAAGGCTCGCA[T>C]AGCTGCTGGCTTACCAATGGCAGGGATACCTTTTCTTACAACAGACTTAACTTACAGATG-3'
Protein context (NP_115649.1, residues 55-75): RRILNVTKAR[Ile65Thr]AAGLPMAGIP